The following is an entry in ClinVar:

ClinVar aggregate classification (germline): Likely benign. Review status: criteria provided, multiple submitters, no conflicts (2 of 4 stars). 2 submissions from 2 submitters: Likely benign (2). Last evaluated 2017-04-27.

Conditions:
Retinitis pigmentosa (RP). Identifiers: Orphanet 791, MedGen C0035334, MeSH D012174, MONDO:0019200, OMIM 268000. Inheritance: Autosomal dominant, autosomal recessive and X linked inheritance.

Allele frequency attached by ClinVar (database versions not stated): gnomAD exomes 0.00101 and 0.00268; ExAC 0.00333; gnomAD 0.01084 and 0.01146; ESP Exome Variant Server 0.01176; TOPMed 0.01193; 1000 Genomes Project 0.01218; 1000 Genomes Project 30x 0.01359.
gnomAD v4.1: 3,205 of 1,613,970 alleles (0.2%); highest among the groups gnomAD compares: African/African-American, 3.8%; 71 homozygotes.

Submissions (2):

Illumina Laboratory Services, Illumina
Classification: Likely benign for Retinitis pigmentosa. Last evaluated: 2017-04-27. Review status: criteria provided, single submitter. Criteria: ICSL Variant Classification Criteria 13 December 2019. Collection method: clinical testing. Allele origin: germline.
Comment: This variant was observed as part of a predisposition screen in an ostensibly healthy population. A literature search was performed for the gene, cDNA change, and amino acid change (where applicable). Publications were found based on this search. The evidence from the literature, in combination with allele frequency data from public databases where available, was sufficient to determine this variant is unlikely to cause disease. Therefore, this variant is classified as likely benign.

Breakthrough Genomics
Classification: Likely benign. Review status: criteria provided, single submitter. Criteria: ACMG Guidelines, 2015. Collection method: not provided. Allele origin: germline. Inheritance: Autosomal recessive inheritance. Affected: yes.

Literature cited by the submitters: PubMed 19520207 (cited by Illumina Laboratory Services, Illumina).

NM_001031710.3(KLHL7):c.*7A>G

Gene: KLHL7 (kelch like family member 7; plus strand). Cytogenetic location: 7p15.3.
Variant type: single nucleotide variant.
Coding change: c.*7A>G on transcript NM_001031710.3 (MANE Select); 7 bases downstream of the stop codon, A replaced by G.
Molecular consequence: 3 prime UTR variant. On other transcripts: non-coding transcript variant (1).
Genome position (GRCh38, 1-based): chr7:23,174,305, A>G. VCF-style: chr7-23174305-A-G. GRCh37 (hg19) VCF-style: chr7-23213924-A-G.
Other names: c.*7A>G (NM_018846.5).
Identifiers: ClinVar variation 359802 (VCV000359802.6), dbSNP rs112802878, ClinGen allele CA4186675.